The following is an entry in ClinVar:

NM_005559.4(LAMA1):c.3169G>A (p.Asp1057Asn)

Gene: LAMA1 (laminin subunit alpha 1; minus strand). Cytogenetic location: 18p11.31.
Variant type: single nucleotide variant.
Coding change: c.3169G>A on transcript NM_005559.4 (MANE Select); coding-DNA position 3169, G replaced by A.
Protein change: p.Asp1057Asn; replaces aspartic acid 1057 with asparagine.
Molecular consequence: missense variant.
Genome position (GRCh38, 1-based): chr18:7,014,009, C>T on the plus strand (G>A on the coding strand, the complement: LAMA1 is on the minus strand). VCF-style: chr18-7014009-C-T. GRCh37 (hg19) VCF-style: chr18-7014008-C-T.
Other names: c.3169G>A (NM_005559.3); short protein forms D1057N.
Identifiers: ClinVar variation 2167250 (VCV002167250.5), dbSNP rs141907708, ClinGen allele CA8882366.

ClinVar aggregate classification (germline): Uncertain significance. Review status: criteria provided, multiple submitters, no conflicts (2 of 4 stars). 3 submissions from 3 submitters: Uncertain significance (3). Last evaluated 2024-10-17.

Allele frequency attached by ClinVar (database versions not stated): 1000 Genomes Project 0.00020; ESP Exome Variant Server 0.00038; gnomAD exomes 0.00009; gnomAD 0.00013; TOPMed 0.00014; ExAC 0.00015; 1000 Genomes Project 30x 0.00016.
gnomAD v4.1: 147 of 1,613,966 alleles (0.0091%); highest among the groups gnomAD compares: African/African-American, 0.039%; no homozygotes.

Submissions (3):

Labcorp Genetics (formerly Invitae), Labcorp
Classification: Uncertain significance. Last evaluated: 2024-10-17. Review status: criteria provided, single submitter. Criteria: Invitae Variant Classification Sherloc (09022015). Collection method: clinical testing. Allele origin: germline.
Comment: This sequence change replaces aspartic acid, which is acidic and polar, with asparagine, which is neutral and polar, at codon 1057 of the LAMA1 protein (p.Asp1057Asn). This variant is present in population databases (rs141907708, gnomAD 0.04%). This variant has not been reported in the literature in individuals affected with LAMA1-related conditions. ClinVar contains an entry for this variant (Variation ID: 2167250). Invitae Evidence Modeling of protein sequence and biophysical properties (such as structural, functional, and spatial information, amino acid conservation, physicochemical variation, residue mobility, and thermodynamic stability) indicates that this missense variant is not expected to disrupt LAMA1 protein function with a negative predictive value of 80%. In summary, the available evidence is currently insufficient to determine the role of this variant in disease. Therefore, it has been classified as a Variant of Uncertain Significance.

Blueprint Genetics
Classification: Uncertain significance. Last evaluated: 2024-10-10. Review status: criteria provided, single submitter. Criteria: ACMG Guidelines, 2015. Collection method: clinical testing. Allele origin: germline.

GeneDx
Classification: Uncertain significance. Last evaluated: 2022-09-12. Review status: criteria provided, single submitter. Criteria: GeneDx Variant Classification Process June 2021. Collection method: clinical testing. Allele origin: germline. Affected: yes.
Comment: In silico analysis supports that this missense variant does not alter protein structure/function; Has not been previously published as pathogenic or benign to our knowledge